The following is an entry in ClinVar:

ClinVar aggregate classification (germline): Likely benign. Review status: criteria provided, multiple submitters, no conflicts (2 of 4 stars). 2 submissions from 2 submitters: Likely benign (2). Last evaluated 2024-11-27.

Conditions:
Long QT syndrome (LQTS). Identifiers: MedGen C0023976, MeSH D008133, MONDO:0002442. Disease mechanism: loss of function. Inheritance: Various modes of inheritance.

Allele frequency attached by ClinVar (database versions not stated): gnomAD exomes below 0.00001.
gnomAD v4.1: 1 of 1,613,992 alleles (0.000062%); highest among the groups gnomAD compares: Non-Finnish European, 0.000085%; no homozygotes.

Submissions (2):

Labcorp Genetics (formerly Invitae), Labcorp
Classification: Likely benign for Long QT syndrome. Last evaluated: 2024-11-27. Review status: criteria provided, single submitter. Criteria: Invitae Variant Classification Sherloc (09022015). Collection method: clinical testing. Allele origin: germline.

All of Us Research Program, National Institutes of Health
Classification: Likely benign for Long QT syndrome. Last evaluated: 2023-06-08. Review status: criteria provided, single submitter. Criteria: ACMG Guidelines, 2015. Collection method: clinical testing. Allele origin: germline. Inheritance: Autosomal dominant inheritance. Observed: 1 variant allele, 1 heterozygote.
Comment: This study involves interpretation of variants in research participants for the purpose of population health screening. Participant phenotype was not available at the time of variant classification. Additional details can be found in publication PMID: 35346344, PMCID: PMC8962531

NM_000238.4(KCNH2):c.2460G>C (p.Gly820=)

Gene: KCNH2 (potassium voltage-gated channel subfamily H member 2; minus strand). Cytogenetic location: 7q36.1.
Variant type: single nucleotide variant.
Coding change: c.2460G>C on transcript NM_000238.4 (MANE Select); coding-DNA position 2460, G replaced by C.
Protein change: p.Gly820=; no amino-acid change (glycine 820 retained).
Molecular consequence: synonymous variant. On other transcripts: non-coding transcript variant (2).
Genome position (GRCh38, 1-based): chr7:150,948,988, C>G on the plus strand (G>C on the coding strand, the complement: KCNH2 is on the minus strand). VCF-style: chr7-150948988-C-G. GRCh37 (hg19) VCF-style: chr7-150646076-C-G.
Other names: c.2172G>C, p.Gly724= (NM_001406753.1); c.1440G>C, p.Gly480= (NM_172057.3).
Identifiers: ClinVar variation 3071530 (VCV003071530.3), dbSNP rs2116941028, ClinGen allele CA458645190.